The following is an entry in ClinVar:

ClinVar aggregate classification (germline): Uncertain significance (1 of 4 stars; one submission).

Conditions:
MEGF10-related myopathy (CMYO10A). Also called: Congenital myopathy 10A, severe variant. Identifiers: Orphanet 439212, MedGen C3280679, MONDO:0013731, OMIM 614399.

Submission:

Labcorp Genetics (formerly Invitae), Labcorp
Classification: Uncertain significance for MEGF10-related myopathy. Last evaluated: 2019-12-30. Review status: criteria provided, single submitter. Criteria: Invitae Variant Classification Sherloc (09022015). Collection method: clinical testing. Allele origin: germline.
Comment: In summary, the available evidence is currently insufficient to determine the role of this variant in disease. Therefore, it has been classified as a Variant of Uncertain Significance. Experimental studies and prediction algorithms are not available or were not evaluated, and the functional significance of this variant is currently unknown. This variant has not been reported in the literature in individuals with MEGF10-related conditions. This variant is not present in population databases (ExAC no frequency). This sequence change replaces Glycine with Serine at codon 1130 of the MEGF10 protein (p.Gly1130Ser). The Glycine residue is weakly conserved and there is a small physicochemical difference between Glycine and Serine.

NM_001256545.2(MEGF10):c.3387_3388delinsAA (p.Gly1130Ser)

Gene: MEGF10 (multiple EGF like domains 10; plus strand). Cytogenetic location: 5q23.2.
Variant type: Indel.
Coding change: c.3387_3388delinsAA on transcript NM_001256545.2 (MANE Select); coding-DNA positions 3387 to 3388, TG replaced by AA.
Protein change: p.Gly1130Ser; replaces glycine 1130 with serine.
Molecular consequence: missense variant.
Genome position (GRCh38, 1-based): chr5:127,457,282-127,457,283, TG replaced by AA. VCF-style: chr5-127457282-TG-AA. GRCh37 (hg19) VCF-style: chr5-126792974-TG-AA.
Other names: c.3387_3388delinsAA, p.Gly1130Ser (NM_032446.3); short protein forms G1130S.
Identifiers: ClinVar variation 839258 (VCV000839258.8), dbSNP rs1766400841, ClinGen allele CA916082754.